The following is an entry in ClinVar:

ClinVar aggregate classification (germline): Likely benign (0 of 4 stars; one submission).

Conditions:
COL11A2-related disorder. Also called: COL11A2-related condition; COL11A2-related disorders.

Submission:

PreventionGenetics, part of Exact Sciences
Classification: Likely benign for COL11A2-related condition. Last evaluated: 2021-03-31. Review status: no assertion criteria provided. Collection method: clinical testing. Allele origin: germline.
Comment: This variant is classified as likely benign based on ACMG/AMP sequence variant interpretation guidelines (Richards et al. 2015 PMID: 25741868, with internal and published modifications).

NM_080680.3(COL11A2):c.3150+8T>G

Gene: COL11A2 (collagen type XI alpha 2 chain; minus strand). Cytogenetic location: 6p21.32.
Variant type: single nucleotide variant.
Coding change: c.3150+8T>G on transcript NM_080680.3 (MANE Select); 8 bases into the intron after coding-DNA position 3150, T replaced by G.
Molecular consequence: intron variant.
Genome position (GRCh38, 1-based): chr6:33,171,705, A>C on the plus strand (T>G on the coding strand, the complement: COL11A2 is on the minus strand). VCF-style: chr6-33171705-A-C. GRCh37 (hg19) VCF-style: chr6-33139482-A-C.
Other names: c.2124+8T>G (NM_001424111.1, NM_001424110.1); c.2829+8T>G (NM_080679.3); c.2892+8T>G (NM_080681.3); c.2970+8T>G (NM_001424108.1); c.2304+8T>G (NM_001424109.1); c.1104+8T>G (NM_001424112.1).
Identifiers: ClinVar variation 3030529 (VCV003030529.2), dbSNP rs2534839651, ClinGen allele CA2740094290.